The following is an entry in ClinVar:

NM_014423.4(AFF4):c.2489C>G (p.Ser830Cys)

Gene: AFF4 (ALF transcription elongation factor 4; minus strand). Cytogenetic location: 5q31.1.
Variant type: single nucleotide variant.
Coding change: c.2489C>G on transcript NM_014423.4 (MANE Select); coding-DNA position 2489, C replaced by G.
Protein change: p.Ser830Cys; replaces serine 830 with cysteine.
Molecular consequence: missense variant.
Genome position (GRCh38, 1-based): chr5:132,892,312, G>C on the plus strand (C>G on the coding strand, the complement: AFF4 is on the minus strand). VCF-style: chr5-132892312-G-C. GRCh37 (hg19) VCF-style: chr5-132228004-G-C.
Other names: short protein forms S830C.
Identifiers: ClinVar variation 5040685 (VCV005040685.1).

ClinVar aggregate classification (germline): Likely benign (1 of 4 stars; one submission).

Submission:

CeGaT Center for Human Genetics Tuebingen
Classification: Likely benign. Last evaluated: 2026-08-01. Review status: criteria provided, single submitter. Criteria: CeGaT Center For Human Genetics Tuebingen Variant Classification Criteria Version 2. Collection method: clinical testing. Allele origin: germline. Affected: yes. Observed: 1 variant allele.
Comment: AFF4: BP4